The following is an entry in ClinVar:

NR_003051.3(RMRP):n.-26_-10dup

Gene: RMRP (RNA component of mitochondrial RNA processing endoribonuclease; minus strand). Cytogenetic location: 9p13.3.
Variant type: Duplication.
Genome position: GRCh38 VCF-style: chr9-35658027-A-AGCTTCACAGAGTAGTAT. GRCh37 (hg19) VCF-style: chr9-35658024-A-AGCTTCACAGAGTAGTAT.
Identifiers: ClinVar variation 552639 (VCV000552639.10), dbSNP rs1554651491, ClinGen allele CA658821607.

ClinVar aggregate classification (germline): Pathogenic/Likely pathogenic. Review status: criteria provided, multiple submitters, no conflicts (2 of 4 stars). 3 submissions from 3 submitters: Pathogenic (1); Likely pathogenic (1). 1 of the submissions does not count toward it. Last evaluated 2025-12-31.

Conditions:
Anauxetic dysplasia. Identifiers: Orphanet 93347, MedGen C1846796, MONDO:0011773.
Anauxetic dysplasia 1 (ANXD1). Also called: Anauxetic Dysplasia (AD). Identifiers: Orphanet 93347, MedGen C4551965, MONDO:0054560, OMIM 607095.
Metaphyseal dysplasia without hypotrichosis. Also called: Metaphyseal Dysplasia without Hypotrichosis (MDWH); CARTILAGE-HAIR HYPOPLASIA VARIANT, SKELETAL MANIFESTATIONS ONLY; CARTILAGE-HAIR HYPOPLASIA-LIKE SKELETAL DYSPLASIA WITHOUT HYPOTRICHOSIS OR IMMUNODEFICIENCY. Identifiers: MedGen C1834821, MONDO:0009601, OMIM 250460.
Metaphyseal chondrodysplasia, McKusick type (CHH). Also called: Cartilage-hair hypoplasia; Cartilage-Hair Hypoplasia (CHH). Identifiers: Orphanet 175, MedGen C0220748, MONDO:0009595, OMIM 250250.

Allele frequency attached by ClinVar (database versions not stated): gnomAD exomes 0.00001.

Submissions (3):

Labcorp Genetics (formerly Invitae), Labcorp
Classification: Pathogenic for Anauxetic dysplasia. Last evaluated: 2025-12-31. Review status: criteria provided, single submitter. Criteria: Invitae Variant Classification Sherloc (09022015). Collection method: clinical testing. Allele origin: germline.
Comment: This variant occurs in the RMRP gene, which encodes an RNA molecule that does not result in a protein product. This variant is not present in population databases (gnomAD no frequency). While this particular variant has not been reported in the literature, it is located in the promoter region between the TATA box and the transcription initiation site, and other insertions and duplications immediately upstream of the coding sequence have been reported in individuals affected with cartilage-hair hypoplasia-anauxetic dysplasia (CHH-AD) spectrum disorders (PMID: 16244706, 11207361, 12107819). ClinVar contains an entry for this variant (Variation ID: 552639). While functional studies for this variant have not been reported, experimental analyses using patient derived cells, as well as in vitro transfection studies, have shown that promoter insertions result in silencing of RMRP transcription and reduced expression of the gene product (PMID: 11207361, 16254002). For these reasons, this variant has been classified as Pathogenic.

Fulgent Genetics
Classification: Likely pathogenic for Metaphyseal chondrodysplasia, McKusick type; Metaphyseal dysplasia without hypotrichosis; Anauxetic dysplasia 1. Last evaluated: 2022-02-07. Review status: criteria provided, single submitter. Criteria: ACMG Guidelines, 2015. Collection method: clinical testing. Allele origin: unknown.

Counsyl
Classification: Likely pathogenic for Metaphyseal chondrodysplasia, McKusick type. Last evaluated: 2017-06-27. Review status: no assertion criteria provided. Collection method: clinical testing. Allele origin: unknown. Not counted in ClinVar's aggregate classification.

Literature cited by the submitters: PubMed 16244706 (cited by Labcorp Genetics (formerly Invitae), Labcorp); PubMed 11207361 (cited by Labcorp Genetics (formerly Invitae), Labcorp and Counsyl); PubMed 12107819 (cited by Labcorp Genetics (formerly Invitae), Labcorp); PubMed 16254002 (cited by Labcorp Genetics (formerly Invitae), Labcorp and Counsyl); PubMed 17937437 (cited by Counsyl); PubMed 14608646 (cited by Counsyl).